The following is an entry in ClinVar:

NM_002834.5(PTPN11):c.397G>A (p.Gly133Ser)

Gene: PTPN11 (protein tyrosine phosphatase non-receptor type 11; plus strand). Cytogenetic location: 12q24.13.
Variant type: single nucleotide variant.
Coding change: c.397G>A on transcript NM_002834.5 (MANE Select); coding-DNA position 397, G replaced by A.
Protein change: p.Gly133Ser; replaces glycine 133 with serine.
Molecular consequence: missense variant.
Genome position (GRCh38, 1-based): chr12:112,453,259, G>A. VCF-style: chr12-112453259-G-A. GRCh37 (hg19) VCF-style: chr12-112891063-G-A.
Other names: c.397G>A, p.Gly133Ser (NM_001330437.2, NM_080601.3); c.394G>A, p.Gly132Ser (NM_001374625.1); short protein forms G132S, G133S.
Identifiers: ClinVar variation 1736690 (VCV001736690.2), dbSNP rs2135866814, ClinGen allele CA386781003.

ClinVar aggregate classification (germline): Uncertain significance (1 of 4 stars; one submission).

Conditions:
Cardiovascular phenotype. Identifiers: MedGen CN230736.

Submission:

Ambry Genetics
Classification: Uncertain significance for Cardiovascular phenotype. Last evaluated: 2020-07-31. Review status: criteria provided, single submitter. Criteria: Ambry Variant Classification Scheme 2023. Collection method: clinical testing. Allele origin: germline.
Comment: The p.G133S variant (also known as c.397G>A), located in coding exon 4 of the PTPN11 gene, results from a G to A substitution at nucleotide position 397. The glycine at codon 133 is replaced by serine, an amino acid with similar properties. This amino acid position is highly conserved in available vertebrate species. In addition, this alteration is predicted to be deleterious by in silico analysis. Since supporting evidence is limited at this time, the clinical significance of this alteration remains unclear.